The following is an entry in ClinVar:

ClinVar aggregate classification (germline): Benign/Likely benign. Review status: criteria provided, multiple submitters, no conflicts (2 of 4 stars). 3 submissions from 3 submitters: Benign (2); Likely benign (1). Last evaluated 2026-02-02.

Allele frequency attached by ClinVar (database versions not stated): ESP Exome Variant Server 0.00023; gnomAD exomes 0.00049 and 0.00206; gnomAD 0.00083 and 0.00124; TOPMed 0.00136; ExAC 0.00202; 1000 Genomes Project 30x 0.00593; 1000 Genomes Project 0.00639.
gnomAD v4.1: 1,021 of 1,612,630 alleles (0.063%); highest among the groups gnomAD compares: East Asian, 1.4%; 10 homozygotes.

Submissions (3):

Labcorp Genetics (formerly Invitae), Labcorp
Classification: Benign. Last evaluated: 2026-02-02. Review status: criteria provided, single submitter. Criteria: Invitae Variant Classification Sherloc (09022015). Collection method: clinical testing. Allele origin: germline.

CeGaT Center for Human Genetics Tuebingen
Classification: Likely benign. Last evaluated: 2025-12-01. Review status: criteria provided, single submitter. Criteria: CeGaT Center For Human Genetics Tuebingen Variant Classification Criteria Version 2. Collection method: clinical testing. Allele origin: germline. Affected: yes. Observed: 1 variant allele.
Comment: PNPT1: BP4, BS1

GeneDx
Classification: Benign. Last evaluated: 2014-09-29. Review status: criteria provided, single submitter. Criteria: GeneDx Variant Classification (06012015). Collection method: clinical testing. Allele origin: germline. Affected: yes.
Comment: This variant is considered likely benign or benign based on one or more of the following criteria: it is a conservative change, it occurs at a poorly conserved position in the protein, it is predicted to be benign by multiple in silico algorithms, and/or has population frequency not consistent with disease.

NM_033109.5(PNPT1):c.1632C>T (p.Asp544=)

Gene: PNPT1 (polyribonucleotide nucleotidyltransferase 1; minus strand). Cytogenetic location: 2p16.1.
Variant type: single nucleotide variant.
Coding change: c.1632C>T on transcript NM_033109.5 (MANE Select); coding-DNA position 1632, C replaced by T.
Protein change: p.Asp544=; no amino-acid change (aspartic acid 544 retained).
Molecular consequence: synonymous variant.
Genome position (GRCh38, 1-based): chr2:55,646,457, G>A on the plus strand (C>T on the coding strand, the complement: PNPT1 is on the minus strand). VCF-style: chr2-55646457-G-A. GRCh37 (hg19) VCF-style: chr2-55873592-G-A.
Other names: p.D544D:GAC>GAT.
Identifiers: ClinVar variation 215001 (VCV000215001.17), dbSNP rs146554440, ClinGen allele CA321367.